The following is an entry in ClinVar:

ClinVar aggregate classification (germline): Uncertain significance. Review status: criteria provided, multiple submitters, no conflicts (2 of 4 stars). 2 submissions from 2 submitters: Uncertain significance (2). Last evaluated 2021-11-23.

Conditions:
Cerebral folate transport deficiency. Also called: NEURODEGENERATION DUE TO CEREBRAL FOLATE TRANSPORT DEFICIENCY; FOLR1-Related Cerebral Folate Transport Deficiency; Neurodegenerative syndrome due to cerebral folate transport deficiency; FOLATE RECEPTOR DEFICIENCY; Cerebral folate deficiency syndrome. Identifiers: Orphanet 217382, MedGen C2751584, MONDO:0013110, OMIM 613068. Disease mechanism: loss of function.

Allele frequency attached by ClinVar (database versions not stated): gnomAD exomes below 0.00001; ExAC 0.00001.
gnomAD v4.1: 5 of 1,614,230 alleles (0.00031%); highest among the groups gnomAD compares: South Asian, 0.0055%; no homozygotes.

Submissions (2):

Labcorp Genetics (formerly Invitae), Labcorp
Classification: Uncertain significance for Cerebral folate transport deficiency. Last evaluated: 2021-11-23. Review status: criteria provided, single submitter. Criteria: Invitae Variant Classification Sherloc (09022015). Collection method: clinical testing. Allele origin: germline.
Comment: In summary, the available evidence is currently insufficient to determine the role of this variant in disease. Therefore, it has been classified as a Variant of Uncertain Significance. Algorithms developed to predict the effect of missense changes on protein structure and function are either unavailable or do not agree on the potential impact of this missense change (SIFT: "Deleterious"; PolyPhen-2: "Benign"; Align-GVGD: "Class C0"). This variant has not been reported in the literature in individuals affected with FOLR1-related conditions. This variant is present in population databases (rs766989831, gnomAD 0.003%). This sequence change replaces threonine, which is neutral and polar, with asparagine, which is neutral and polar, at codon 104 of the FOLR1 protein (p.Thr104Asn).

Fulgent Genetics
Classification: Uncertain significance for Cerebral folate transport deficiency. Last evaluated: 2021-10-08. Review status: criteria provided, single submitter. Criteria: ACMG Guidelines, 2015. Collection method: clinical testing. Allele origin: unknown.

NM_016729.3(FOLR1):c.311C>A (p.Thr104Asn)

Genes: FOLR1 (folate receptor alpha; plus strand), FOLR1-AS1 (FOLR1 antisense RNA 1; minus strand). Cytogenetic location: 11q13.4.
Variant type: single nucleotide variant.
Coding change: c.311C>A on transcript NM_016729.3 (MANE Select); coding-DNA position 311, C replaced by A.
Protein change: p.Thr104Asn; replaces threonine 104 with asparagine.
Molecular consequence: missense variant.
Genome position (GRCh38, 1-based): chr11:72,195,413, C>A. VCF-style: chr11-72195413-C-A. GRCh37 (hg19) VCF-style: chr11-71906457-C-A.
Other names: c.311C>A, p.Thr104Asn (NM_000802.3, NM_016724.3, NM_016725.3); short protein forms T104N.
Identifiers: ClinVar variation 1505189 (VCV001505189.7), dbSNP rs766989831, ClinGen allele CA6169152.
Genomic context (GRCh38, chr11:72,195,413, plus strand): 5'-TCAACTGGAACCACTGTGGAGAGATGGCACCTGCCTGCAAACGGCATTTCATCCAGGACA[C>A]CTGCCTCTACGAGTGCTCCCCCAACTTGGGGCCCTGGATCCAGCAGGTATGCATGGCTTC-3'
Protein context (NP_057941.1, residues 94-114): PACKRHFIQD[Thr104Asn]CLYECSPNLG